The following is an entry in ClinVar:

NM_000143.4(FH):c.206G>A (p.Gly69Asp)

Gene: FH (fumarate hydratase; minus strand). Cytogenetic location: 1q43.
Variant type: single nucleotide variant.
Coding change: c.206G>A on transcript NM_000143.4 (MANE Select); coding-DNA position 206, G replaced by A.
Protein change: p.Gly69Asp; replaces glycine 69 with aspartic acid.
Molecular consequence: missense variant.
Genome position (GRCh38, 1-based): chr1:241,517,243, C>T on the plus strand (G>A on the coding strand, the complement: FH is on the minus strand). VCF-style: chr1-241517243-C-T. GRCh37 (hg19) VCF-style: chr1-241680543-C-T.
Other names: short protein forms G69D.
Identifiers: ClinVar variation 1011033 (VCV001011033.47), dbSNP rs1660243078, ClinGen allele CA345441828.

ClinVar aggregate classification (germline): Uncertain significance (1 of 4 stars; one submission).

Submission:

Labcorp Genetics (formerly Invitae), Labcorp
Classification: Uncertain significance. Last evaluated: 2020-03-19. Review status: criteria provided, single submitter. Criteria: Invitae Variant Classification Sherloc (09022015). Collection method: clinical testing. Allele origin: germline.
Comment: This sequence change replaces glycine with aspartic acid at codon 69 of the FH protein (p.Gly69Asp). The glycine residue is highly conserved and there is a moderate physicochemical difference between glycine and aspartic acid. This variant is not present in population databases (ExAC no frequency). This variant has not been reported in the literature in individuals with FH-related conditions. Algorithms developed to predict the effect of missense changes on protein structure and function (SIFT, PolyPhen-2, Align-GVGD) all suggest that this variant is likely to be disruptive, but these predictions have not been confirmed by published functional studies and their clinical significance is uncertain. In summary, the available evidence is currently insufficient to determine the role of this variant in disease. Therefore, it has been classified as a Variant of Uncertain Significance.